The following is an entry in ClinVar:

NM_138927.4(SON):c.4490C>T (p.Ala1497Val)

Gene: SON (SON DNA and RNA binding protein; plus strand). Cytogenetic location: 21q22.11.
Variant type: single nucleotide variant.
Coding change: c.4490C>T on transcript NM_138927.4 (MANE Select); coding-DNA position 4490, C replaced by T.
Protein change: p.Ala1497Val; replaces alanine 1497 with valine.
Molecular consequence: missense variant. On other transcripts: non-coding transcript variant (1), intron variant (1).
Genome position (GRCh38, 1-based): chr21:33,553,721, C>T. VCF-style: chr21-33553721-C-T. GRCh37 (hg19) VCF-style: chr21-34926027-C-T.
Other names: c.4490C>T, p.Ala1497Val (NM_001291411.2, NM_001412133.1, NM_032195.3 and 2 more transcripts); c.245-3435C>T (NM_001291412.3); short protein forms A1497V.
Identifiers: ClinVar variation 2809298 (VCV002809298.3), dbSNP rs952781326, ClinGen allele CA410162730.

ClinVar aggregate classification (germline): Uncertain significance (1 of 4 stars; one submission).

Allele frequency attached by ClinVar (database versions not stated): gnomAD exomes below 0.00001.
gnomAD v4.1: 4 of 1,613,960 alleles (0.00025%); highest among the groups gnomAD compares: Middle Eastern, 0.016%; no homozygotes.

Submission:

Labcorp Genetics (formerly Invitae), Labcorp
Classification: Uncertain significance. Last evaluated: 2022-11-01. Review status: criteria provided, single submitter. Criteria: Invitae Variant Classification Sherloc (09022015). Collection method: clinical testing. Allele origin: germline.
Comment: In summary, the available evidence is currently insufficient to determine the role of this variant in disease. Therefore, it has been classified as a Variant of Uncertain Significance. Algorithms developed to predict the effect of missense changes on protein structure and function output the following: SIFT: "Deleterious"; PolyPhen-2: "Benign"; Align-GVGD: "Class C0". The valine amino acid residue is found in multiple mammalian species, which suggests that this missense change does not adversely affect protein function. This variant has not been reported in the literature in individuals affected with SON-related conditions. This variant is not present in population databases (gnomAD no frequency). This sequence change replaces alanine, which is neutral and non-polar, with valine, which is neutral and non-polar, at codon 1497 of the SON protein (p.Ala1497Val).